The following continues an entry in ClinVar:

NM_206933.4(USH2A):c.14219C>A (p.Ala4740Asp)

Gene: USH2A. ClinVar aggregate classification (germline): Pathogenic. Pathogenic (1).

Submissions 11 to 15 of 15:

Institute of Medical Genetics and Applied Genomics, University Hospital Tübingen
Classification: Likely pathogenic for Retinitis pigmentosa 39. Last evaluated: 2023-02-13. Review status: criteria provided, single submitter. Criteria: ACMG Guidelines, 2015. Collection method: clinical testing. Allele origin: germline. Inheritance: Autosomal recessive inheritance. Affected: yes. Not counted in ClinVar's aggregate classification.

Institute of Human Genetics, University of Leipzig Medical Center
Classification: Uncertain significance for Retinal degeneration; Retinal dystrophy. Last evaluated: 2022-03-22. Review status: criteria provided, single submitter. Criteria: ACMG Guidelines, 2015. Collection method: clinical testing. Allele origin: unknown. Affected: yes. Not counted in ClinVar's aggregate classification.
Comment: _x000D_ Criteria applied: PM3, PM2_SUP, PP3

Institute of Human Genetics, Univ. Regensburg, Univ. Regensburg
Classification: Likely pathogenic for Retinal dystrophy. Last evaluated: 2022-01-01. Review status: criteria provided, single submitter. Criteria: ACMG Guidelines, 2015. Collection method: clinical testing. Allele origin: germline. Affected: yes. Not counted in ClinVar's aggregate classification.

Broad Center for Mendelian Genomics, Broad Institute of MIT and Harvard
Classification: Likely pathogenic for Retinitis pigmentosa. Last evaluated: 2021-04-01. Review status: criteria provided, single submitter. Criteria: ACMG Guidelines, 2015. Collection method: curation. Allele origin: germline. Inheritance: Autosomal recessive inheritance. Affected: yes. Not counted in ClinVar's aggregate classification.
Comment: Through a review of available evidence we were able to apply the following criteria: PS1, PP1, PM2, PP3. Based on this evidence we have classified this variant as Likely Pathogenic. If you have any questions about the classification please reach out to the Pierce Lab.

Department of Clinical Genetics, Copenhagen University Hospital, Rigshospitalet
Classification: Uncertain significance for Retinitis pigmentosa. Last evaluated: 2018-04-01. Review status: no assertion criteria provided. Collection method: research. Allele origin: unknown. Affected: yes. Study: VeluxRD. Not counted in ClinVar's aggregate classification.

Literature cited by the submitters: PubMed 22952768 (cited by 3 submitters); PubMed 25649381 (cited by Labcorp Genetics (formerly Invitae), Labcorp); PubMed 28559085 (cited by 3 submitters); PubMed 30718709 (cited by Labcorp Genetics (formerly Invitae), Labcorp and Department of Clinical Genetics, Copenhagen University Hospital, Rigshospitalet); PubMed 34781295 (cited by 3 submitters); PubMed 32037395 (cited by Natera, Inc. and Institute of Human Genetics, Univ. Regensburg, Univ. Regensburg); PubMed 32531858 (cited by Natera, Inc. and Institute of Human Genetics, Univ. Regensburg, Univ. Regensburg); PubMed 38465142 (cited by Natera, Inc. and 3billion); PubMed 39462066 (cited by Natera, Inc.); PubMed 39394491 (cited by Natera, Inc.); PubMed 38219857 (cited by Natera, Inc.); PubMed 33576794 (cited by 3billion and Institute of Human Genetics, Univ. Regensburg, Univ. Regensburg); PubMed 36284670 (cited by Institute of Human Genetics, Univ. Regensburg, Univ. Regensburg); PubMed 36460718 (cited by Institute of Human Genetics, Univ. Regensburg, Univ. Regensburg); PubMed 34906470 (cited by Broad Center for Mendelian Genomics, Broad Institute of MIT and Harvard).